The following is an entry in ClinVar:

NM_001042492.3(NF1):c.7344_7345del (p.Glu2448fs)

Gene: NF1 (neurofibromin 1; plus strand). Cytogenetic location: 17q11.2.
Variant type: Deletion.
Coding change: c.7344_7345del on transcript NM_001042492.3 (MANE Select); coding-DNA positions 7344 to 7345, 2 bases deleted (AG; older notation c.7344_7345delAG).
Protein change: p.Glu2448fs; shifts the reading frame from glutamic acid 2448.
Molecular consequence: frameshift variant.
Genome position (GRCh38, 1-based): chr17:31,350,205-31,350,206, AG deleted. VCF-style (leftmost placement, unchanged base first): chr17-31350204-AAG-A. GRCh37 (hg19) VCF-style: chr17-29677222-AAG-A.
Other names: c.7281_7282delAG, p.Glu2427Aspfs (NM_000267.4); short protein forms E2427fs, E2448fs.
Identifiers: ClinVar variation 2128758 (VCV002128758.4), dbSNP rs2508805239, ClinGen allele CA2580093364.

ClinVar aggregate classification (germline): Pathogenic (1 of 4 stars; one submission).

Conditions:
Neurofibromatosis, type 1 (NF1). Also called: Peripheral type neurofibromatosis; NEUROFIBROMATOSIS, TYPE I, SOMATIC; Neurofibromatosis, type I; VON RECKLINGHAUSEN DISEASE. Identifiers: Orphanet 636, MedGen C0027831, MONDO:0018975, OMIM 162200. Disease mechanism: loss of function.

Submission:

Labcorp Genetics (formerly Invitae), Labcorp
Classification: Pathogenic for Neurofibromatosis, type 1. Last evaluated: 2022-04-21. Review status: criteria provided, single submitter. Criteria: Invitae Variant Classification Sherloc (09022015). Collection method: clinical testing. Allele origin: germline.
Comment: This sequence change creates a premature translational stop signal (p.Glu2427Aspfs*10) in the NF1 gene. It is expected to result in an absent or disrupted protein product. Loss-of-function variants in NF1 are known to be pathogenic (PMID: 10712197, 23913538). This variant is not present in population databases (gnomAD no frequency). This variant has not been reported in the literature in individuals affected with NF1-related conditions. For these reasons, this variant has been classified as Pathogenic.

Literature cited by the submitters: PubMed 10712197; PubMed 23913538.